The following is an entry in ClinVar:

ClinVar aggregate classification (germline): Uncertain significance. Review status: criteria provided, multiple submitters, no conflicts (2 of 4 stars). 3 submissions from 3 submitters: Uncertain significance (3). Last evaluated 2024-03-21.

Conditions:
Early-infantile DEE. Also called: Early infantile epileptic encephalopathy; Ohtahara syndrome; Early infantile epileptic encephalopathy with suppression bursts. Identifiers: Orphanet 1934, MedGen C0393706, MONDO:0800491.

gnomAD v4.1: 9 of 1,614,162 alleles (0.00056%); highest among the groups gnomAD compares: East Asian, 0.0045%; no homozygotes.

Submissions (3):

Labcorp Genetics (formerly Invitae), Labcorp
Classification: Uncertain significance for Early-infantile DEE. Last evaluated: 2024-03-21. Review status: criteria provided, single submitter. Criteria: Invitae Variant Classification Sherloc (09022015). Collection method: clinical testing. Allele origin: germline.
Comment: This sequence change replaces arginine, which is basic and polar, with tryptophan, which is neutral and slightly polar, at codon 785 of the SPTAN1 protein (p.Arg785Trp). This variant is not present in population databases (gnomAD no frequency). This variant has not been reported in the literature in individuals affected with SPTAN1-related conditions. ClinVar contains an entry for this variant (Variation ID: 1207885). Advanced modeling of protein sequence and biophysical properties (such as structural, functional, and spatial information, amino acid conservation, physicochemical variation, residue mobility, and thermodynamic stability) has been performed at Invitae for this missense variant, however the output from this modeling did not meet the statistical confidence thresholds required to predict the impact of this variant on SPTAN1 protein function. In summary, the available evidence is currently insufficient to determine the role of this variant in disease. Therefore, it has been classified as a Variant of Uncertain Significance.

CeGaT Center for Human Genetics Tuebingen
Classification: Uncertain significance. Last evaluated: 2023-01-01. Review status: criteria provided, single submitter. Criteria: CeGaT Center For Human Genetics Tuebingen Variant Classification Criteria Version 2. Collection method: clinical testing. Allele origin: germline. Affected: yes. Observed: 1 variant allele.
Comment: SPTAN1: PM2, PP2, PS4:Supporting

GeneDx
Classification: Uncertain significance. Last evaluated: 2019-10-02. Review status: criteria provided, single submitter. Criteria: GeneDx Variant Classification Process June 2021. Collection method: clinical testing. Allele origin: germline. Affected: yes.
Comment: In silico analysis, which includes protein predictors and evolutionary conservation, supports a deleterious effect; Has not been previously published as pathogenic or benign to our knowledge; No data available from control populations to assess the frequency of this variant

NM_001130438.3(SPTAN1):c.2353C>T (p.Arg785Trp)

Gene: SPTAN1 (spectrin alpha, non-erythrocytic 1; plus strand). Cytogenetic location: 9q34.11.
Variant type: single nucleotide variant.
Coding change: c.2353C>T on transcript NM_001130438.3 (MANE Select); coding-DNA position 2353, C replaced by T.
Protein change: p.Arg785Trp; replaces arginine 785 with tryptophan.
Molecular consequence: missense variant.
Genome position (GRCh38, 1-based): chr9:128,584,441, C>T. VCF-style: chr9-128584441-C-T. GRCh37 (hg19) VCF-style: chr9-131346720-C-T.
Other names: c.2353C>T, p.Arg785Trp (NM_001195532.2, NM_001363759.2, NM_001363765.2 and 5 more transcripts); c.2389C>T, p.Arg797Trp (NM_001375312.2, NM_001375318.1); short protein forms R785W, R797W.
Identifiers: ClinVar variation 1207885 (VCV001207885.37), dbSNP rs1253697977, ClinGen allele CA375057529.